The following is an entry in ClinVar:

ClinVar aggregate classification (germline): Likely benign. Review status: criteria provided, multiple submitters, no conflicts (2 of 4 stars). 3 submissions from 3 submitters: Likely benign (3). Last evaluated 2024-05-31.

Conditions:
Severe combined immunodeficiency due to DNA-PKcs deficiency. Also called: IMMUNODEFICIENCY 26 WITH NEUROLOGIC ABNORMALITIES; Immunodeficiency 26 with or without neurologic abnormalities. Identifiers: Orphanet 317425, MedGen C4014833, MONDO:0014423, OMIM 615966.

Allele frequency attached by ClinVar (database versions not stated): gnomAD exomes below 0.00001; gnomAD 0.00001; TOPMed 0.00003.

Submissions (3):

Labcorp Genetics (formerly Invitae), Labcorp
Classification: Likely benign for Severe combined immunodeficiency due to DNA-PKcs deficiency. Last evaluated: 2024-05-31. Review status: criteria provided, single submitter. Criteria: Invitae Variant Classification Sherloc (09022015). Collection method: clinical testing. Allele origin: germline.

Blueprint Genetics
Classification: Likely benign. Last evaluated: 2024-01-12. Review status: criteria provided, single submitter. Criteria: ACMG Guidelines, 2015. Collection method: clinical testing. Allele origin: germline.

GeneDx
Classification: Likely benign. Last evaluated: 2016-10-14. Review status: criteria provided, single submitter. Criteria: GeneDx Variant Classification (06012015). Collection method: clinical testing. Allele origin: germline. Affected: yes.
Comment: This variant is considered likely benign or benign based on one or more of the following criteria: it is a conservative change, it occurs at a poorly conserved position in the protein, it is predicted to be benign by multiple in silico algorithms, and/or has population frequency not consistent with disease.

NM_006904.7(PRKDC):c.11967G>A (p.Arg3989=)

Gene: PRKDC (protein kinase, DNA-activated, catalytic subunit; minus strand). Cytogenetic location: 8q11.21.
Variant type: single nucleotide variant.
Coding change: c.11967G>A on transcript NM_006904.7 (MANE Select); coding-DNA position 11967, G replaced by A.
Protein change: p.Arg3989=; no amino-acid change (arginine 3989 retained).
Molecular consequence: synonymous variant.
Genome position (GRCh38, 1-based): chr8:47,777,761, C>T on the plus strand (G>A on the coding strand, the complement: PRKDC is on the minus strand). VCF-style: chr8-47777761-C-T. GRCh37 (hg19) VCF-style: chr8-48690322-C-T.
Other names: c.11874G>A, p.Arg3958= (NM_001081640.2).
Identifiers: ClinVar variation 390083 (VCV000390083.5), dbSNP rs953043854, ClinGen allele CA16605395.